The following is an entry in ClinVar:

NM_002693.3(POLG):c.1275C>T (p.Ala425=)

Gene: POLG (DNA polymerase gamma, catalytic subunit; minus strand). Cytogenetic location: 15q26.1.
Variant type: single nucleotide variant.
Coding change: c.1275C>T on transcript NM_002693.3 (MANE Select); coding-DNA position 1275, C replaced by T.
Protein change: p.Ala425=; no amino-acid change (alanine 425 retained).
Molecular consequence: synonymous variant.
Genome position (GRCh38, 1-based): chr15:89,327,325, G>A on the plus strand (C>T on the coding strand, the complement: POLG is on the minus strand). VCF-style: chr15-89327325-G-A. GRCh37 (hg19) VCF-style: chr15-89870556-G-A.
Other names: p.A425A:GCC>GCT; p.Ala425=; c.1275C>T, p.Ala425= (NM_001126131.2).
Identifiers: ClinVar variation 138774 (VCV000138774.65), dbSNP rs147404477, ClinGen allele CA292871.
Genomic context (GRCh38, chr15:89,327,325, plus strand): 5'-CAGGTAACGCTCCCAGTTCTGGTTGACAGGCAGGTAGGAGACACCCATCTCCAGCATGCC[G>A]GCCAGAGTCACTGGGTGGGGACACCTTGGAGGCAAACACCAGGAGCTGCCATAAATGACC-3'
Protein context (NP_002684.1, residues 415-435): LERCPHPVTL[Ala425=]GMLEMGVSYL

ClinVar aggregate classification (germline): Conflicting classifications of pathogenicity. Review status: criteria provided, conflicting classifications (1 of 4 stars). 13 submissions from 13 submitters: Uncertain significance (2); Benign (1); Likely benign (7). 3 of the submissions do not count toward it. Last evaluated 2026-10-01.

Conditions:
POLG-related disorder. Also called: POLG-related condition; POLG-Related Disorders; POLG-Related Spectrum Disorders. Identifiers: MedGen C4763519.
Inborn genetic diseases. Identifiers: MedGen C0950123, MeSH D030342.
Hereditary spastic paraplegia. Also called: Familial spastic paraparesis. Identifiers: Orphanet 685, MedGen C0037773, MONDO:0019064. Disease mechanism: loss of function.
Progressive sclerosing poliodystrophy (MTDPS4A). Also called: Alpers-Huttenlocher Syndrome (AHS); NEURONAL DEGENERATION OF CHILDHOOD WITH LIVER DISEASE, PROGRESSIVE; ALPERS PROGRESSIVE INFANTILE POLIODYSTROPHY; Alpers Syndrome; Alpers-Huttenlocher Syndrome; ALPERS DIFFUSE DEGENERATION OF CEREBRAL GRAY MATTER WITH HEPATIC CIRRHOSIS. Identifiers: Orphanet 726, MedGen C0205710, MONDO:0008758, OMIM 203700.

Allele frequency attached by ClinVar (database versions not stated): ExAC 0.00030; 1000 Genomes Project 30x 0.00031; gnomAD exomes 0.00035 and 0.00068; 1000 Genomes Project 0.00040; gnomAD 0.00056; TOPMed 0.00060; ESP Exome Variant Server 0.00092.
gnomAD v4.1: 1,081 of 1,613,794 alleles (0.067%); highest among the groups gnomAD compares: Non-Finnish European, 0.082%; no homozygotes.

Submissions (13):

CeGaT Center for Human Genetics Tuebingen
Classification: Likely benign. Last evaluated: 2026-10-01. Review status: criteria provided, single submitter. Criteria: CeGaT Center For Human Genetics Tuebingen Variant Classification Criteria Version 2. Collection method: clinical testing. Allele origin: germline. Affected: yes. Observed: 15 variant alleles.
Comment: POLG: BP4, BP7

Labcorp Genetics (formerly Invitae), Labcorp
Classification: Likely benign for Progressive sclerosing poliodystrophy. Last evaluated: 2026-01-21. Review status: criteria provided, single submitter. Criteria: Invitae Variant Classification Sherloc (09022015). Collection method: clinical testing. Allele origin: germline.

Mayo Clinic Laboratories, Mayo Clinic
Classification: Likely benign. Last evaluated: 2025-07-08. Review status: criteria provided, single submitter. Criteria: ACMG Guidelines, 2015. Collection method: clinical testing. Allele origin: germline. Observed: 5 variant alleles.
Comment: BS1, BP4, BP7

Athena Diagnostics
Classification: Likely benign. Last evaluated: 2025-06-20. Review status: criteria provided, single submitter. Criteria: Athena Diagnostics Criteria. Collection method: clinical testing. Allele origin: unknown.
Comment: Computational tools yielded predictions that this variant is unlikely to have an effect on normal RNA splicing. This nucleotide position exhibits low evolutionary conservation.

Blueprint Genetics
Classification: Likely benign. Last evaluated: 2024-10-21. Review status: criteria provided, single submitter. Criteria: ACMG Guidelines, 2015. Collection method: clinical testing. Allele origin: germline.

Genome Diagnostics Laboratory, The Hospital for Sick Children
Classification: Uncertain significance for Hereditary spastic paraplegia. Last evaluated: 2021-08-16. Review status: criteria provided, single submitter. Criteria: ACMG Guidelines, 2015. Collection method: clinical testing. Allele origin: germline. Affected: yes.

Wong Mito Lab, Molecular and Human Genetics, Baylor College of Medicine
Classification: Likely benign for Progressive sclerosing poliodystrophy. Last evaluated: 2018-10-01. Review status: criteria provided, single submitter. Criteria: ACMG Guidelines, 2015. Collection method: clinical testing. Allele origin: germline.
Comment: The NM_002693.2:c.1275C>T (NP_002684.1:p.Ala425=) [GRCH38: NC_000015.10:g.89327325G>A] variant in POLG gene is interpretated to be a Likely Benign based on ACMG guidelines (PMID: 25741868). This variant meets the following evidence codes reported in the ACMG-guideline. BS1:The minor allele frequency of this allele is high for Mitochondrial DNA depletion syndrome 4A (Alpers type). BP4:Computational evidence/predictors indicate no impact on the POLG structure, function, or protein-protein interaction. BP7:The variant is silent with non predicted splice impact. Based on the evidence criteria codes applied, the variant is suggested to be Likely Benign.

Ambry Genetics
Classification: Likely benign for Inborn genetic diseases. Last evaluated: 2017-12-20. Review status: criteria provided, single submitter. Criteria: Ambry Variant Classification Scheme 2023. Collection method: clinical testing. Allele origin: germline.

Eurofins Ntd Llc (ga)
Classification: Uncertain significance. Last evaluated: 2017-08-23. Review status: criteria provided, single submitter. Criteria: EGL Classification Definitions 2015. Collection method: clinical testing. Allele origin: germline. Observed: 4 variant alleles, 4 heterozygotes.

GeneDx
Classification: Benign. Last evaluated: 2013-08-07. Review status: criteria provided, single submitter. Criteria: GeneDx Variant Classification (06012015). Collection method: clinical testing. Allele origin: germline. Affected: yes.
Comment: This variant is considered likely benign or benign based on one or more of the following criteria: it is a conservative change, it occurs at a poorly conserved position in the protein, it is predicted to be benign by multiple in silico algorithms, and/or has population frequency not consistent with disease.

PreventionGenetics, part of Exact Sciences
Classification: Likely benign for POLG-related condition. Last evaluated: 2019-11-21. Review status: no assertion criteria provided. Collection method: clinical testing. Allele origin: germline. Not counted in ClinVar's aggregate classification.
Comment: This variant is classified as likely benign based on ACMG/AMP sequence variant interpretation guidelines (Richards et al. 2015 PMID: 25741868, with internal and published modifications).

Clinical Genetics DNA and cytogenetics Diagnostics Lab, Erasmus MC, Erasmus Medical Center
Classification: Likely benign. Review status: no assertion criteria provided. Collection method: clinical testing. Allele origin: germline. Affected: yes. Study: VKGL Data-share Consensus. Not counted in ClinVar's aggregate classification.

Genome Diagnostics Laboratory, University Medical Center Utrecht
Classification: Likely benign. Review status: no assertion criteria provided. Collection method: clinical testing. Allele origin: germline. Affected: yes. Study: VKGL Data-share Consensus. Not counted in ClinVar's aggregate classification.